The following is an entry in ClinVar:

NM_002834.5(PTPN11):c.1091A>G (p.Lys364Arg)

Gene: PTPN11 (protein tyrosine phosphatase non-receptor type 11; plus strand). Cytogenetic location: 12q24.13.
Variant type: single nucleotide variant.
Coding change: c.1091A>G on transcript NM_002834.5 (MANE Select); coding-DNA position 1091, A replaced by G.
Protein change: p.Lys364Arg; replaces lysine 364 with arginine.
Molecular consequence: missense variant.
Genome position (GRCh38, 1-based): chr12:112,478,014, A>G. VCF-style: chr12-112478014-A-G. GRCh37 (hg19) VCF-style: chr12-112915818-A-G.
Other names: c.1091A>G, p.Lys364Arg (NM_001330437.2, NM_080601.3); c.1088A>G, p.Lys363Arg (NM_001374625.1); short protein forms K363R, K364R.
Identifiers: ClinVar variation 1009214 (VCV001009214.8), dbSNP rs988676659, ClinGen allele CA243712056.

ClinVar aggregate classification (germline): Uncertain significance (1 of 4 stars; one submission).

Conditions:
RASopathy. Also called: rasopathies; Noonan spectrum disorder. Identifiers: Orphanet 536391, MedGen C5555857, MONDO:0021060.

Allele frequency attached by ClinVar (database versions not stated): gnomAD exomes below 0.00001; TOPMed 0.00001.
gnomAD v4.1: 2 of 1,614,052 alleles (0.00012%); highest among the groups gnomAD compares: African/African-American, 0.0013%; no homozygotes.

Submission:

Labcorp Genetics (formerly Invitae), Labcorp
Classification: Uncertain significance for RASopathy. Last evaluated: 2022-09-01. Review status: criteria provided, single submitter. Criteria: Invitae Variant Classification Sherloc (09022015). Collection method: clinical testing. Allele origin: germline.
Comment: In summary, the available evidence is currently insufficient to determine the role of this variant in disease. Therefore, it has been classified as a Variant of Uncertain Significance. This sequence change replaces lysine, which is basic and polar, with arginine, which is basic and polar, at codon 364 of the PTPN11 protein (p.Lys364Arg). This variant is present in population databases (no rsID available, gnomAD 0.007%). This variant has not been reported in the literature in individuals affected with PTPN11-related conditions. ClinVar contains an entry for this variant (Variation ID: 1009214). Algorithms developed to predict the effect of missense changes on protein structure and function (SIFT, PolyPhen-2, Align-GVGD) all suggest that this variant is likely to be tolerated. Algorithms developed to predict the effect of sequence changes on RNA splicing suggest that this variant may disrupt the consensus splice site.